The following is an entry in ClinVar:

ClinVar aggregate classification (germline): Likely benign. Review status: criteria provided, multiple submitters, no conflicts (2 of 4 stars). 6 submissions from 6 submitters: Likely benign (5). 1 of the submissions does not count toward it. Last evaluated 2025-12-19.

Conditions:
FXYD2-related disorder. Also called: FXYD2-related condition.
Inborn genetic diseases. Identifiers: MedGen C0950123, MeSH D030342.
Renal hypomagnesemia 2 (HOMG2). Also called: MAGNESIUM LOSS, ISOLATED RENAL. Identifiers: Orphanet 34528, MedGen C1835171, MONDO:0007937, OMIM 154020.

Allele frequency attached by ClinVar (database versions not stated): 1000 Genomes Project 30x 0.00016; 1000 Genomes Project 0.00020; gnomAD 0.00053 and 0.00054; TOPMed 0.00057; ESP Exome Variant Server 0.00062; ExAC 0.00105.
gnomAD v4.1: 1,100 of 1,562,680 alleles (0.07%); highest among the groups gnomAD compares: South Asian, 0.081%; 2 homozygotes.

Submissions (6):

Labcorp Genetics (formerly Invitae), Labcorp
Classification: Likely benign. Last evaluated: 2025-12-19. Review status: criteria provided, single submitter. Criteria: Invitae Variant Classification Sherloc (09022015). Collection method: clinical testing. Allele origin: germline.

CeGaT Center for Human Genetics Tuebingen
Classification: Likely benign. Last evaluated: 2025-05-01. Review status: criteria provided, single submitter. Criteria: CeGaT Center For Human Genetics Tuebingen Variant Classification Criteria Version 2. Collection method: clinical testing. Allele origin: germline. Affected: yes. Observed: 1 variant allele.
Comment: FXYD2: PP3, BS2

Ambry Genetics
Classification: Likely benign for Inborn genetic diseases. Last evaluated: 2023-02-10. Review status: criteria provided, single submitter. Criteria: Ambry Variant Classification Scheme 2023. Collection method: clinical testing. Allele origin: germline.

Fulgent Genetics
Classification: Likely benign for Renal hypomagnesemia 2. Last evaluated: 2022-05-07. Review status: criteria provided, single submitter. Criteria: ACMG Guidelines, 2015. Collection method: clinical testing. Allele origin: unknown.

Genetic Services Laboratory, University of Chicago
Classification: Likely benign. Last evaluated: 2021-03-19. Review status: criteria provided, single submitter. Criteria: ACMG Guidelines, 2015. Collection method: clinical testing. Allele origin: germline. Affected: no.

PreventionGenetics, part of Exact Sciences
Classification: Likely benign for FXYD2-related condition. Last evaluated: 2024-05-01. Review status: no assertion criteria provided. Collection method: clinical testing. Allele origin: germline. Not counted in ClinVar's aggregate classification.
Comment: This variant is classified as likely benign based on ACMG/AMP sequence variant interpretation guidelines (Richards et al. 2015 PMID: 25741868, with internal and published modifications).

NM_001680.5(FXYD2):c.110C>A (p.Ala37Asp)

Genes: FXYD2 (FXYD domain containing ion transport regulator 2; minus strand), FXYD6-FXYD2 (FXYD6-FXYD2 readthrough; minus strand). Cytogenetic location: 11q23.3.
Variant type: single nucleotide variant.
Coding change: c.110C>A on transcript NM_001680.5 (MANE Select); coding-DNA position 110, C replaced by A.
Protein change: p.Ala37Asp; replaces alanine 37 with aspartic acid.
Molecular consequence: missense variant. On other transcripts: intron variant (1).
Genome position (GRCh38, 1-based): chr11:117,822,435, G>T on the plus strand (C>A on the coding strand, the complement: FXYD2 is on the minus strand). VCF-style: chr11-117822435-G-T. GRCh37 (hg19) VCF-style: chr11-117693150-G-T.
Other names: c.344C>A, p.Ala115Asp (NM_001204268.3); c.104C>A, p.Ala35Asp (NM_021603.4); c.311+244C>A (NM_001243598.4); short protein forms A37D, A115D, A35D.
Identifiers: ClinVar variation 736288 (VCV000736288.26), dbSNP rs138991613, ClinGen allele CA6297814.